The following is an entry in ClinVar:

NM_001365999.1(SZT2):c.6420G>A (p.Met2140Ile)

Gene: SZT2 (SZT2 subunit of KICSTOR complex; plus strand). Cytogenetic location: 1p34.2.
Variant type: single nucleotide variant.
Coding change: c.6420G>A on transcript NM_001365999.1 (MANE Select); coding-DNA position 6420, G replaced by A.
Protein change: p.Met2140Ile; replaces methionine 2140 with isoleucine.
Molecular consequence: missense variant.
Genome position (GRCh38, 1-based): chr1:43,437,814, G>A. VCF-style: chr1-43437814-G-A. GRCh37 (hg19) VCF-style: chr1-43903485-G-A.
Other names: c.6249G>A, p.Met2083Ile (NM_015284.4); short protein forms M2083I, M2140I.
Identifiers: ClinVar variation 933688 (VCV000933688.4), dbSNP rs747463004, ClinGen allele CA809887.

ClinVar aggregate classification (germline): Uncertain significance. Review status: criteria provided, multiple submitters, no conflicts (2 of 4 stars). 3 submissions from 3 submitters: Uncertain significance (3). Last evaluated 2023-04-11.

Conditions:
Inborn genetic diseases. Identifiers: MedGen C0950123, MeSH D030342.
Developmental and epileptic encephalopathy, 18 (DEE18). Also called: Early infantile epileptic encephalopathy 18. Identifiers: Orphanet 369894, MedGen C3809624, MONDO:0014201, OMIM 615476.

Allele frequency attached by ClinVar (database versions not stated): gnomAD 0.00001; gnomAD exomes 0.00001 and 0.00002; ExAC 0.00003.
gnomAD v4.1: 5 of 1,614,138 alleles (0.00031%); highest among the groups gnomAD compares: East Asian, 0.011%; no homozygotes.

Submissions (3):

Genome-Nilou Lab
Classification: Uncertain significance for Developmental and epileptic encephalopathy, 18. Last evaluated: 2023-04-11. Review status: criteria provided, single submitter. Criteria: ACMG Guidelines, 2015. Collection method: clinical testing. Allele origin: germline. Affected: no.

Ambry Genetics
Classification: Uncertain significance for Inborn genetic diseases. Last evaluated: 2023-02-27. Review status: criteria provided, single submitter. Criteria: Ambry Variant Classification Scheme 2023. Collection method: clinical testing. Allele origin: germline.

Labcorp Genetics (formerly Invitae), Labcorp
Classification: Uncertain significance. Last evaluated: 2019-05-15. Review status: criteria provided, single submitter. Criteria: Invitae Variant Classification Sherloc (09022015). Collection method: clinical testing. Allele origin: germline.
Comment: This sequence change replaces methionine with isoleucine at codon 2083 of the SZT2 protein (p.Met2083Ile). The methionine residue is highly conserved and there is a small physicochemical difference between methionine and isoleucine. This variant is present in population databases (rs747463004, ExAC 0.03%). This variant has not been reported in the literature in individuals with SZT2-related conditions. Algorithms developed to predict the effect of missense changes on protein structure and function (SIFT, PolyPhen-2, Align-GVGD) all suggest that this variant is likely to be tolerated, but these predictions have not been confirmed by published functional studies and their clinical significance is uncertain. In summary, the available evidence is currently insufficient to determine the role of this variant in disease. Therefore, it has been classified as a Variant of Uncertain Significance.